The following is an entry in ClinVar:

ClinVar aggregate classification (germline): Uncertain significance (1 of 4 stars; one submission).

Conditions:
Familial thoracic aortic aneurysm and aortic dissection (TAAD). Also called: Thoracic aortic aneurysms and dissections. Identifiers: Orphanet 91387, MedGen C4707243, MONDO:0019625.

Allele frequency attached by ClinVar (database versions not stated): gnomAD exomes below 0.00001; TOPMed below 0.00001; gnomAD 0.00001.
gnomAD v4.1: 2 of 1,611,774 alleles (0.00012%); highest among the groups gnomAD compares: Non-Finnish European, 0.00017%; no homozygotes.

Submission:

Ambry Genetics
Classification: Uncertain significance for Familial thoracic aortic aneurysm and aortic dissection. Last evaluated: 2023-07-29. Review status: criteria provided, single submitter. Criteria: Ambry Variant Classification Scheme 2023. Collection method: clinical testing. Allele origin: germline.
Comment: The p.T633I variant (also known as c.1898C>T), located in coding exon 11 of the NOTCH1 gene, results from a C to T substitution at nucleotide position 1898. The threonine at codon 633 is replaced by isoleucine, an amino acid with similar properties. This amino acid position is conserved. In addition, this alteration is predicted to be deleterious by in silico analysis. Since supporting evidence is limited at this time, the clinical significance of this alteration remains unclear.

NM_017617.5(NOTCH1):c.1898C>T (p.Thr633Ile)

Gene: NOTCH1 (notch receptor 1; minus strand). Cytogenetic location: 9q34.3.
Variant type: single nucleotide variant.
Coding change: c.1898C>T on transcript NM_017617.5 (MANE Select); coding-DNA position 1898, C replaced by T.
Protein change: p.Thr633Ile; replaces threonine 633 with isoleucine.
Molecular consequence: missense variant.
Genome position (GRCh38, 1-based): chr9:136,515,488, G>A on the plus strand (C>T on the coding strand, the complement: NOTCH1 is on the minus strand). VCF-style: chr9-136515488-G-A. GRCh37 (hg19) VCF-style: chr9-139409940-G-A.
Other names: short protein forms T633I.
Identifiers: ClinVar variation 2586750 (VCV002586750.2), dbSNP rs1843250340, ClinGen allele CA375559507.